The following is an entry in ClinVar:

ClinVar aggregate classification (germline): Likely benign (1 of 4 stars; one submission).

Allele frequency attached by ClinVar (database versions not stated): 1000 Genomes Project 0.00280; 1000 Genomes Project 30x 0.00312; ESP Exome Variant Server 0.00331; gnomAD 0.00344; ExAC 0.00415; gnomAD exomes 0.00444.
gnomAD v4.1: 7,157 of 1,614,022 alleles (0.44%); highest among the groups gnomAD compares: Middle Eastern, 1.4%; 35 homozygotes.

Submission:

CeGaT Center for Human Genetics Tuebingen
Classification: Likely benign. Last evaluated: 2023-03-01. Review status: criteria provided, single submitter. Criteria: CeGaT Center For Human Genetics Tuebingen Variant Classification Criteria Version 2. Collection method: clinical testing. Allele origin: germline. Affected: yes. Observed: 1 variant allele.
Comment: CDK18: BS2

NM_212502.3(CDK18):c.497C>T (p.Thr166Met)

Gene: CDK18 (cyclin dependent kinase 18; plus strand). Cytogenetic location: 1q32.1.
Variant type: single nucleotide variant.
Coding change: c.497C>T on transcript NM_212502.3 (MANE Select); coding-DNA position 497, C replaced by T.
Protein change: p.Thr166Met; replaces threonine 166 with methionine.
Molecular consequence: missense variant.
Genome position (GRCh38, 1-based): chr1:205,526,105, C>T. VCF-style: chr1-205526105-C-T. GRCh37 (hg19) VCF-style: chr1-205495233-C-T.
Other names: c.497C>T, p.Thr166Met (NM_002596.4); c.587C>T, p.Thr196Met (NM_212503.3); short protein forms T166M, T196M.
Identifiers: ClinVar variation 2639853 (VCV002639853.24), dbSNP rs17850752, ClinGen allele CA1354997.